The following is an entry in ClinVar:

ClinVar aggregate classification (germline): Pathogenic (1 of 4 stars; one submission).

Conditions:
Renal cysts and diabetes syndrome (RCAD). Also called: Familial hypoplastic, glomerulocystic kidney; MATURITY-ONSET DIABETES OF THE YOUNG, TYPE 5. Identifiers: Orphanet 93111, MedGen C0431693, MONDO:0007669, OMIM 137920.

Submission:

Institute of Human Genetics, FAU Erlangen, Friedrich-Alexander-Universität Erlangen-Nürnberg
Classification: Pathogenic for Renal cysts and diabetes syndrome. Last evaluated: 2019-07-06. Review status: criteria provided, single submitter. Criteria: ACMG Guidelines, 2015. Collection method: literature only. Allele origin: germline. Affected: yes.
Comment: This variant and it's classification has been reported by Vasileiou et al. 2019; DOI:10.1101/576918. The variants has previously been reported in PMID:25700310; PMID:23979948; PMID:26489027; PMID:25536396 as "c.18delG" with clinical significance Pathogenic. It has been re-classified using InterVar and manual curation as Pathogenic based on PVS1 PM2 PP3.

Literature cited by the submitters: PubMed 25700310; PubMed 23979948; PubMed 26489027; PubMed 25536396; DOI 10.1101/576918.

NM_000458.4(HNF1B):c.18del (p.Ser7fs)

Gene: HNF1B (HNF1 homeobox B; minus strand). Cytogenetic location: 17q12.
Variant type: Deletion.
Coding change: c.18del on transcript NM_000458.4 (MANE Select); coding-DNA position 18, one base deleted (G; older notation c.18delG).
Protein change: p.Ser7fs; shifts the reading frame from serine 7.
Molecular consequence: frameshift variant.
Genome position (GRCh38, 1-based): chr17:37,744,867, C deleted on the plus strand (G on the coding strand, the reverse complement: HNF1B is on the minus strand). VCF-style (leftmost placement, unchanged base first): chr17-37744866-AC-A. GRCh37 (hg19) VCF-style: chr17-36104857-AC-A.
Other names: c.18del, p.Ser7fs (NM_001165923.4, NM_001304286.2); short protein forms S7fs.
Identifiers: ClinVar variation 635734 (VCV000635734.1), dbSNP rs2511853681, ClinGen allele CA913190809.